The following is an entry in ClinVar:

ClinVar aggregate classification (germline): Uncertain significance (1 of 4 stars; one submission).

Conditions:
Haddad syndrome (OHD). Also called: Ondine-Hirschsprung disease. Identifiers: Orphanet 99803, MedGen C1859049, MONDO:0020493.

Submission:

Labcorp Genetics (formerly Invitae), Labcorp
Classification: Uncertain significance for Haddad syndrome. Last evaluated: 2020-05-07. Review status: criteria provided, single submitter. Criteria: Invitae Variant Classification Sherloc (09022015). Collection method: clinical testing. Allele origin: germline.
Comment: In summary, the available evidence is currently insufficient to determine the role of this variant in disease. Therefore, it has been classified as a Variant of Uncertain Significance. Algorithms developed to predict the effect of missense changes on protein structure and function (SIFT, PolyPhen-2, Align-GVGD) all suggest that this variant is likely to be disruptive, but these predictions have not been confirmed by published functional studies and their clinical significance is uncertain. This variant has not been reported in the literature in individuals with PHOX2B-related conditions. This variant is not present in population databases (ExAC no frequency). This sequence change replaces arginine with lysine at codon 48 of the PHOX2B protein (p.Arg48Lys). The arginine residue is highly conserved and there is a small physicochemical difference between arginine and lysine.

NM_003924.4(PHOX2B):c.143G>A (p.Arg48Lys)

Genes: PHOX2B (paired like homeobox 2B; minus strand), PHOX2B-AS1 (PHOX2B antisense RNA 1; plus strand). Cytogenetic location: 4p13.
Variant type: single nucleotide variant.
Coding change: c.143G>A on transcript NM_003924.4 (MANE Select); coding-DNA position 143, G replaced by A.
Protein change: p.Arg48Lys; replaces arginine 48 with lysine.
Molecular consequence: missense variant.
Genome position (GRCh38, 1-based): chr4:41,748,468, C>T on the plus strand (G>A on the coding strand, the complement: PHOX2B is on the minus strand). VCF-style: chr4-41748468-C-T. GRCh37 (hg19) VCF-style: chr4-41750485-C-T.
Other names: short protein forms R48K.
Identifiers: ClinVar variation 1046072 (VCV001046072.9), dbSNP rs1733983472, ClinGen allele CA356740985.